The following is an entry in ClinVar:

NM_002907.4(RECQL):c.478A>G (p.Met160Val)

Gene: RECQL (RecQ like helicase; minus strand). Cytogenetic location: 12p12.1.
Variant type: single nucleotide variant.
Coding change: c.478A>G on transcript NM_002907.4 (MANE Select); coding-DNA position 478, A replaced by G.
Protein change: p.Met160Val; replaces methionine 160 with valine.
Molecular consequence: missense variant.
Genome position (GRCh38, 1-based): chr12:21,486,502, T>C on the plus strand (A>G on the coding strand, the complement: RECQL is on the minus strand). VCF-style: chr12-21486502-T-C. GRCh37 (hg19) VCF-style: chr12-21639436-T-C.
Other names: c.478A>G, p.Met160Val (NM_032941.3); short protein forms M160V.
Identifiers: ClinVar variation 1743082 (VCV001743082.3), dbSNP rs760800166, ClinGen allele CA6479069.
Genomic context (GRCh38, chr12:21,486,502, plus strand): 5'-AGTTTACATTAAAAAAAAAAAAGCCACTGAAACATACCTTAGAACTAGAAGCATTTAACA[T>C]GGTTGCTGAAATTCCTAATTGTTTTAAAACCATTAATTGGTCTTCCATAAGAGAGATCAA-3'
Protein context (NP_002898.2, residues 150-170): VLKQLGISAT[Met160Val]LNASSSKEHV

ClinVar aggregate classification (germline): Uncertain significance (1 of 4 stars; one submission).

Allele frequency attached by ClinVar (database versions not stated): gnomAD exomes below 0.00001; ExAC 0.00001; gnomAD 0.00001; TOPMed 0.00001.

Submission:

Ambry Genetics
Classification: Uncertain significance. Last evaluated: 2024-11-22. Review status: criteria provided, single submitter. Criteria: Ambry Variant Classification Scheme 2023. Collection method: clinical testing. Allele origin: germline.
Comment: The p.M160V variant (also known as c.478A>G), located in coding exon 4 of the RECQL gene, results from an A to G substitution at nucleotide position 478. The methionine at codon 160 is replaced by valine, an amino acid with highly similar properties. This amino acid position is not well conserved in available vertebrate species. In addition, this alteration is predicted to be tolerated by in silico analysis. Since supporting evidence is limited at this time, the clinical significance of this alteration remains unclear.